The following continues an entry in ClinVar:

NM_000492.4(CFTR):c.1558G>A (p.Val520Ile)

ClinVar aggregate classification (germline): Conflicting classifications of pathogenicity. Uncertain significance (16); Likely benign (1).

Submissions 6 to 20 of 20:

Blueprint Genetics
Classification: Uncertain significance. Last evaluated: 2024-09-18. Review status: criteria provided, single submitter. Criteria: ACMG Guidelines, 2015. Collection method: clinical testing. Allele origin: germline.

Fulgent Genetics
Classification: Uncertain significance for Hereditary pancreatitis; Bronchiectasis with or without elevated sweat chloride 1; Cystic fibrosis; Congenital bilateral aplasia of vas deferens from CFTR mutation. Last evaluated: 2024-04-08. Review status: criteria provided, single submitter. Criteria: ACMG Guidelines, 2015. Collection method: clinical testing. Allele origin: germline.

Genomic Medicine Center of Excellence, King Faisal Specialist Hospital and Research Centre
Classification: Uncertain significance for Cystic fibrosis. Last evaluated: 2024-03-29. Review status: criteria provided, single submitter. Criteria: ACMG Guidelines, 2015. Collection method: clinical testing. Allele origin: germline.

Mendelics
Classification: Uncertain significance for Hereditary pancreatitis. Last evaluated: 2023-06-19. Review status: criteria provided, single submitter. Criteria: Mendelics Assertion Criteria 2019. Collection method: clinical testing. Allele origin: germline.

CeGaT Center for Human Genetics Tuebingen
Classification: Uncertain significance. Last evaluated: 2022-08-01. Review status: criteria provided, single submitter. Criteria: CeGaT Center For Human Genetics Tuebingen Variant Classification Criteria Version 2. Collection method: clinical testing. Allele origin: germline. Affected: yes. Observed: 1 variant allele.
Comment: CFTR: PM5, BP2

Ambry Genetics
Classification: Likely benign for Cystic fibrosis. Last evaluated: 2022-03-03. Review status: criteria provided, single submitter. Criteria: Ambry Variant Classification Scheme 2023. Collection method: clinical testing. Allele origin: germline.

Department of Pathology and Laboratory Medicine, Sinai Health System
Classification: Uncertain significance for cystic fibrosis. Last evaluated: 2021-12-06. Review status: criteria provided, single submitter. Criteria: ACMG Guidelines, 2015. Collection method: research. Allele origin: germline.

Genome-Nilou Lab
Classification: Uncertain significance for Cystic fibrosis. Last evaluated: 2021-09-05. Review status: criteria provided, single submitter. Criteria: ACMG Guidelines, 2015. Collection method: clinical testing. Allele origin: germline. Affected: no.

Sema4
Classification: Uncertain significance for Hereditary pancreatitis. Last evaluated: 2021-05-18. Review status: criteria provided, single submitter. Criteria: Sema4 Curation Guidelines. Collection method: curation. Allele origin: germline.
Comment: The CFTR c.1558G>A (p.V520I) variant has been reported in at least two individuals with cystic fibrosis (including non-classic cystic fibrosis) with the second mutation not identified (PMID: 12167682, 17020473) and at least one compound heterozygous asymptomatic individual. It has also been reported in heterozygosity in individuals with congenital absence of vas deferens (PMID: 14998948, 30811104, 32777524) and bronchiectasis (PMID: 29997923). This variant was observed in 20/19950 chromosomes in the East Asian population, with no homozygotes, according to the Genome Aggregation Database (PMID: 32461654). This variant has been reported in ClinVar (Variation ID: 35825). In silico tools suggest the impact of the variant on protein function is inconclusive, though these predictions have not been confirmed by functional studies. The evidence is insufficient to meet ACMG/AMP criteria for classifying the variant as benign or pathogenic. Thus, the clinical significance of this variant is currently uncertain.

Mayo Clinic Laboratories, Mayo Clinic
Classification: Uncertain significance. Last evaluated: 2020-03-05. Review status: criteria provided, single submitter. Criteria: ACMG Guidelines, 2015. Collection method: clinical testing. Allele origin: germline. Observed: 1 variant allele.

Eurofins Ntd Llc (ga)
Classification: Uncertain significance. Last evaluated: 2018-03-27. Review status: criteria provided, single submitter. Criteria: EGL ClinVar v180209 classification definitions. Collection method: clinical testing. Allele origin: germline. Observed: 6 variant alleles, 6 heterozygotes.

Illumina Laboratory Services, Illumina
Classification: Uncertain significance for CFTR-Related Disorders. Last evaluated: 2017-04-28. Review status: criteria provided, single submitter. Criteria: ICSL Variant Classification Criteria 13 December 2019. Collection method: clinical testing. Allele origin: germline.
Comment: This variant was observed as part of a predisposition screen in an ostensibly healthy population. A literature search was performed for the gene, cDNA change, and amino acid change (where applicable). Publications were found based on this search. However, the evidence from the literature, in combination with allele frequency data from public databases where available, was not sufficient to rule this variant in or out of causing disease. Therefore, this variant is classified as a variant of unknown significance.

PreventionGenetics, part of Exact Sciences
Classification: Uncertain significance for CFTR-related condition. Last evaluated: 2024-07-09. Review status: no assertion criteria provided. Collection method: clinical testing. Allele origin: germline. Not counted in ClinVar's aggregate classification.
Comment: The CFTR c.1558G>A variant is predicted to result in the amino acid substitution p.Val520Ile. This variant has been reported in individuals affected with CFTR-related disorders including cystic fibrosis (Bienvenu et al. 2005. PubMed ID: 16596947), non-classic cystic fibrosis (Groman et al. 2002. PubMed ID: 12167682), congenital bilateral absence of the vas deferens (Danziger et al. 2004. PubMed ID: 14998948; Yuan et al. 2019. PubMed ID: 30811104), and bronchitis (Nectoux et al. 2006. PubMed ID: 17020473). However, a second pathogenic CFTR variant was not identified or specified in these patients. This variant was also identified in the heterozygous state in an individual of unknown phenotype undergoing either diagnostic or carrier testing in the CFTR gene (Schwartz et al. 2009. PubMed ID: 19324992). An alternative nucleotide substitution resulting in a different missense change at the same amino acid position (p.Val520Phe) has been reported as causative for cystic fibrosis (Sosnay et al. 2013. PubMed ID: 23974870, Van Goor et al. 2014. PubMed ID: 23891399). However, at this time, the clinical significance of the c.1558G>A (p.Val520Ile) variant is uncertain due to the absence of conclusive functional and genetic evidence.

Natera, Inc.
Classification: Uncertain significance for Cystic Fibrosis. Last evaluated: 2020-09-16. Review status: no assertion criteria provided. Collection method: clinical testing. Allele origin: germline. Not counted in ClinVar's aggregate classification.

Counsyl
Classification: Uncertain significance for Cystic fibrosis. Last evaluated: 2017-11-08. Review status: no assertion criteria provided. Collection method: clinical testing. Allele origin: unknown. Not counted in ClinVar's aggregate classification.

Literature cited by the submitters: PubMed 12167682 (cited by 5 submitters); PubMed 17020473 (cited by 6 submitters); PubMed 16596947 (cited by 7 submitters); PubMed 14998948 (cited by 6 submitters); PubMed 24517344 (cited by 3 submitters); PubMed 25087612 (cited by 3 submitters); PubMed 25735457 (cited by Women's Health and Genetics/Laboratory Corporation of America, LabCorp); PubMed 18937943 (cited by Women's Health and Genetics/Laboratory Corporation of America, LabCorp and Quest Diagnostics Nichols Institute San Juan Capistrano); PubMed 26708955 (cited by 3 submitters); PubMed 28603918 (cited by 3 submitters); PubMed 28801929 (cited by Women's Health and Genetics/Laboratory Corporation of America, LabCorp and Quest Diagnostics Nichols Institute San Juan Capistrano); PubMed 29997923 (cited by 4 submitters); PubMed 29669919 (cited by Women's Health and Genetics/Laboratory Corporation of America, LabCorp and Quest Diagnostics Nichols Institute San Juan Capistrano); PubMed 30032850 (cited by Women's Health and Genetics/Laboratory Corporation of America, LabCorp and Quest Diagnostics Nichols Institute San Juan Capistrano); PubMed 30811104 (cited by 5 submitters); PubMed 31672438 (cited by Women's Health and Genetics/Laboratory Corporation of America, LabCorp); PubMed 32777524 (cited by 4 submitters); PubMed 34996830 (cited by Women's Health and Genetics/Laboratory Corporation of America, LabCorp and Quest Diagnostics Nichols Institute San Juan Capistrano); PubMed 38388235 (cited by Women's Health and Genetics/Laboratory Corporation of America, LabCorp and Quest Diagnostics Nichols Institute San Juan Capistrano); PubMed 19324992 (cited by 3 submitters); PubMed 23891399 (cited by Labcorp Genetics (formerly Invitae), Labcorp); PubMed 23974870 (cited by Labcorp Genetics (formerly Invitae), Labcorp); PubMed 34426522 (cited by Quest Diagnostics Nichols Institute San Juan Capistrano); PubMed 30046002 (cited by Ambry Genetics).